The following is an entry in ClinVar:

ClinVar aggregate classification (germline): Uncertain significance. Review status: criteria provided, multiple submitters, no conflicts (2 of 4 stars). 2 submissions from 2 submitters: Uncertain significance (2). Last evaluated 2025-02-05.

gnomAD v4.1: 11 of 1,613,672 alleles (0.00068%); highest among the groups gnomAD compares: Non-Finnish European, 0.00085%; no homozygotes.

Submissions (2):

Labcorp Genetics (formerly Invitae), Labcorp
Classification: Uncertain significance. Last evaluated: 2025-02-05. Review status: criteria provided, single submitter. Criteria: Invitae Variant Classification Sherloc (09022015). Collection method: clinical testing. Allele origin: germline.
Comment: This sequence change replaces valine, which is neutral and non-polar, with isoleucine, which is neutral and non-polar, at codon 11 of the OSBPL2 protein (p.Val11Ile). This variant is present in population databases (rs368282584, gnomAD 0.002%). This variant has not been reported in the literature in individuals affected with OSBPL2-related conditions. An algorithm developed to predict the effect of missense changes on protein structure and function (PolyPhen-2) suggests that this variant is likely to be tolerated. In summary, the available evidence is currently insufficient to determine the role of this variant in disease. Therefore, it has been classified as a Variant of Uncertain Significance.

Blueprint Genetics
Classification: Uncertain significance. Last evaluated: 2020-03-05. Review status: criteria provided, single submitter. Criteria: ACMG Guidelines, 2015. Collection method: clinical testing. Allele origin: germline.

NM_144498.4(OSBPL2):c.31G>A (p.Val11Ile)

Gene: OSBPL2 (oxysterol binding protein like 2; plus strand). Cytogenetic location: 20q13.33.
Variant type: single nucleotide variant.
Coding change: c.31G>A on transcript NM_144498.4 (MANE Select); coding-DNA position 31, G replaced by A.
Protein change: p.Val11Ile; replaces valine 11 with isoleucine.
Molecular consequence: missense variant. On other transcripts: 5 prime UTR variant (2).
Genome position (GRCh38, 1-based): chr20:62,256,215, G>A. VCF-style: chr20-62256215-G-A. GRCh37 (hg19) VCF-style: chr20-60831271-G-A.
Other names: c.-191G>A (NM_001278649.3); c.-336G>A (NM_001363878.2); c.31G>A, p.Val11Ile (NM_014835.5); short protein forms V11I.
Identifiers: ClinVar variation 3679336 (VCV003679336.3).